The following is an entry in ClinVar:

NM_001734.5(C1S):c.941G>C (p.Arg314Thr)

Gene: C1S (complement C1s; plus strand). Cytogenetic location: 12p13.31.
Variant type: single nucleotide variant.
Coding change: c.941G>C on transcript NM_001734.5 (MANE Select); coding-DNA position 941, G replaced by C.
Protein change: p.Arg314Thr; replaces arginine 314 with threonine.
Molecular consequence: missense variant.
Genome position (GRCh38, 1-based): chr12:7,066,587, G>C. VCF-style: chr12-7066587-G-C. GRCh37 (hg19) VCF-style: chr12-7173891-G-C.
Other names: c.440G>C, p.Arg147Thr (NM_001346850.2); c.941G>C, p.Arg314Thr (NM_201442.4); short protein forms R147T, R314T.
Identifiers: ClinVar variation 3705008 (VCV003705008.2).
Genomic context (GRCh38, chr12:7,066,587, plus strand): 5'-GCCCTAAGGAAGACACTCCCAATTCTGTTTGGGAGCCTGCGAAGGCAAAATATGTCTTTA[G>C]AGATGTGGTGCAGATAACCTGTCTGGATGGGTTTGAAGTTGTGGAGGTAAAGTACCACCT-3'
Protein context (NP_001725.1, residues 304-324): WEPAKAKYVF[Arg314Thr]DVVQITCLDG

ClinVar aggregate classification (germline): Uncertain significance (1 of 4 stars; one submission).

Submission:

Labcorp Genetics (formerly Invitae), Labcorp
Classification: Uncertain significance. Last evaluated: 2024-11-21. Review status: criteria provided, single submitter. Criteria: Invitae Variant Classification Sherloc (09022015). Collection method: clinical testing. Allele origin: germline.
Comment: This sequence change replaces arginine, which is basic and polar, with threonine, which is neutral and polar, at codon 314 of the C1S protein (p.Arg314Thr). This variant is not present in population databases (gnomAD no frequency). This variant has not been reported in the literature in individuals affected with C1S-related conditions. Invitae Evidence Modeling of protein sequence and biophysical properties (such as structural, functional, and spatial information, amino acid conservation, physicochemical variation, residue mobility, and thermodynamic stability) indicates that this missense variant is not expected to disrupt C1S protein function with a negative predictive value of 80%. In summary, the available evidence is currently insufficient to determine the role of this variant in disease. Therefore, it has been classified as a Variant of Uncertain Significance.